The following is an entry in ClinVar:

NM_003185.4(TAF4):c.958G>T (p.Gly320Trp)

Genes: MIR3195 (microRNA 3195; plus strand), TAF4 (TATA-box binding protein associated factor 4; minus strand). Cytogenetic location: 20q13.33.
Variant type: single nucleotide variant.
Coding change: c.958G>T on transcript NM_003185.4 (MANE Select); coding-DNA position 958, G replaced by T.
Protein change: p.Gly320Trp; replaces glycine 320 with tryptophan.
Molecular consequence: missense variant. On other transcripts: non-coding transcript variant (1).
Genome position (GRCh38, 1-based): chr20:62,064,853, C>A on the plus strand (G>T on the coding strand, the complement: TAF4 is on the minus strand). VCF-style: chr20-62064853-C-A. GRCh37 (hg19) VCF-style: chr20-60639909-C-A.
Other names: short protein forms G320W.
Identifiers: ClinVar variation 5000044 (VCV005000044.1).
Genomic context (GRCh38, chr20:62,064,853, plus strand): 5'-GCGCCGGCGCCGCAGCCGCCGCGCCGGGCCCGGGTTGGCCGCTGACCCCCGCGGGGCCCC[C>A]GGCGGCCGGGGCGGGGGCGGGGGCTGCCCCGGCGCTGCCCCCGTTCTGGGCGGCGGCGGG-3'
Protein context (NP_003176.2, residues 310-330): GAAPAPAPAA[Gly320Trp]GPAGVSGQPG

ClinVar aggregate classification (germline): Uncertain significance (1 of 4 stars; one submission).

Conditions:
TAF4-related condition.

Submission:

PreventionGenetics, part of Exact Sciences
Classification: Uncertain significance for TAF4-related condition. Last evaluated: 2025-03-12. Review status: criteria provided, single submitter. Criteria: ACMG Guidelines, 2015. Collection method: clinical testing. Allele origin: germline.
Comment: The TAF4 c.958G>T variant is predicted to result in the amino acid substitution p.Gly320Trp. To our knowledge, this variant has not been reported in the literature or in a large population database (gnomAD), indicating this variant is rare. At this time, the clinical significance of this variant is uncertain due to the absence of conclusive functional and genetic evidence.